The following is an entry in ClinVar:

ClinVar aggregate classification (germline): Conflicting classifications of pathogenicity. Review status: criteria provided, conflicting classifications (1 of 4 stars). 2 submissions from 2 submitters: Uncertain significance (1); Likely benign (1). Last evaluated 2025-06-12.

Conditions:
ALG9 congenital disorder of glycosylation (CDG1L). Also called: CDG Il; ALG9-CDG; CONGENITAL DISORDER OF GLYCOSYLATION, TYPE Il. Identifiers: Orphanet 79328, MedGen C2931006, MONDO:0012117, OMIM 608776.

Allele frequency attached by ClinVar (database versions not stated): gnomAD exomes 0.00002; ExAC 0.00004; gnomAD 0.00007; ESP Exome Variant Server 0.00008; TOPMed 0.00009; 1000 Genomes Project 30x 0.00016; 1000 Genomes Project 0.00020.
gnomAD v4.1: 41 of 1,614,158 alleles (0.0025%); highest among the groups gnomAD compares: African/African-American, 0.015%; no homozygotes.

Submissions (2):

Labcorp Genetics (formerly Invitae), Labcorp
Classification: Likely benign for ALG9 congenital disorder of glycosylation. Last evaluated: 2025-06-12. Review status: criteria provided, single submitter. Criteria: Invitae Variant Classification Sherloc (09022015). Collection method: clinical testing. Allele origin: germline.

Center for Pediatric Genomic Medicine, Children's Mercy Hospital and Clinics
Classification: Uncertain significance. Last evaluated: 2016-11-15. Review status: criteria provided, single submitter. Criteria: ACMG Guidelines, 2015. Collection method: clinical testing. Allele origin: germline.
ClinVar note: Converted during submission from Uncertain Significance to Uncertain significance.

NM_024740.2(ALG9):c.1785T>C (p.Tyr595=)

Gene: ALG9 (ALG9 alpha-1,2-mannosyltransferase; minus strand). Cytogenetic location: 11q23.1.
Variant type: single nucleotide variant.
Coding change: c.1785T>C on transcript NM_024740.2 (MANE Select); coding-DNA position 1785, T replaced by C.
Protein change: p.Tyr595=; no amino-acid change (tyrosine 595 retained).
Molecular consequence: synonymous variant. On other transcripts: 3 prime UTR variant (2), non-coding transcript variant (1).
Genome position (GRCh38, 1-based): chr11:111,786,469, A>G on the plus strand (T>C on the coding strand, the complement: ALG9 is on the minus strand). VCF-style: chr11-111786469-A-G. GRCh37 (hg19) VCF-style: chr11-111657193-A-G.
Other names: c.1764T>C, p.Tyr588= (NM_001077690.1, NM_001352417.1); c.1272T>C, p.Tyr424= (NM_001077691.2, NM_001352413.1, NM_001352414.2 and 1 more transcripts); c.1251T>C, p.Tyr417= (NM_001077692.2, NM_001352409.1, NM_001352410.1 and 4 more transcripts); c.1641T>C, p.Tyr547= (NM_001352418.1); c.*57T>C (NM_001352420.2); c.*51T>C (NM_001352421.2); c.1176T>C, p.Tyr392= (NM_001352422.2); c.1128T>C, p.Tyr376= (NM_001352423.2).
Identifiers: ClinVar variation 377076 (VCV000377076.5), dbSNP rs374817147, ClinGen allele CA6274299.